The following is an entry in ClinVar:

NM_003290.3(TPM4):c.441G>A (p.Ala147=)

Gene: TPM4 (tropomyosin 4; plus strand). Cytogenetic location: 19p13.12.
Variant type: single nucleotide variant.
Coding change: c.441G>A on transcript NM_003290.3 (MANE Select); coding-DNA position 441, G replaced by A.
Protein change: p.Ala147=; no amino-acid change (alanine 147 retained).
Molecular consequence: synonymous variant.
Genome position (GRCh38, 1-based): chr19:16,088,083, G>A. VCF-style: chr19-16088083-G-A. GRCh37 (hg19) VCF-style: chr19-16198893-G-A.
Other names: p.Ala183=; c.549G>A, p.Ala183= (NM_001145160.2); c.501G>A, p.Ala167= (NM_001367836.1); c.441G>A, p.Ala147= (NM_001367837.2); c.432G>A, p.Ala144= (NM_001367838.1).
Identifiers: ClinVar variation 4684334 (VCV004684334.1).

ClinVar aggregate classification (germline): Likely benign (1 of 4 stars; one submission).

gnomAD v4.1: 44 of 1,611,794 alleles (0.0027%); highest among the groups gnomAD compares: Non-Finnish European, 0.0029%; no homozygotes.

Submission:

Mayo Clinic Laboratories, Mayo Clinic
Classification: Likely benign. Last evaluated: 2025-05-19. Review status: criteria provided, single submitter. Criteria: ACMG Guidelines, 2015. Collection method: clinical testing. Allele origin: germline. Observed: 1 variant allele.
Comment: BP4, BP7